The following is an entry in ClinVar:

ClinVar aggregate classification (germline): Uncertain significance (1 of 4 stars; one submission).

Submission:

Dasa
Classification: Uncertain significance. Last evaluated: 2024-08-04. Review status: criteria provided, single submitter. Criteria: DASA Assertion Criteria. Collection method: clinical testing. Allele origin: germline.
Comment: NM_015338.6(ASXL1):c.2879G>C (p.Trp960Ser) is a missense variant that results in the substitution of tryptophan with serine. This variant is absent from population databases. Computational prediction algorithms are consistent with a benign effect. The currently available literature and clinical evidence are not sufficient to establish a definitive association between this variant and the reported condition. Therefore, this variant is classified as a variant of uncertain significance.

NM_015338.6(ASXL1):c.2879G>C (p.Trp960Ser)

Gene: ASXL1 (ASXL transcriptional regulator 1; plus strand). Cytogenetic location: 20q11.21.
Variant type: single nucleotide variant.
Coding change: c.2879G>C on transcript NM_015338.6 (MANE Select); coding-DNA position 2879, G replaced by C.
Protein change: p.Trp960Ser; replaces tryptophan 960 with serine.
Molecular consequence: missense variant.
Genome position (GRCh38, 1-based): chr20:32,435,591, G>C. VCF-style: chr20-32435591-G-C. GRCh37 (hg19) VCF-style: chr20-31023394-G-C.
Other names: c.2696G>C, p.Trp899Ser (NM_001363734.1); short protein forms W899S, W960S.
Identifiers: ClinVar variation 4883688 (VCV004883688.2).